The following is an entry in ClinVar:

ClinVar aggregate classification (germline): Pathogenic/Likely pathogenic. Review status: criteria provided, multiple submitters, no conflicts (2 of 4 stars). 4 submissions from 4 submitters: Pathogenic (2); Likely pathogenic (2). Last evaluated 2025-04-09.

Conditions:
Hereditary amyloidosis. Identifiers: Orphanet 444116, MedGen C0740340, MeSH D028226, MONDO:0018634.
Amyloidosis, hereditary systemic 1 (AMYLD1). Also called: Familial amyloid polyneuropathy; Transthyretin Amyloidosis; Hereditary Transthyretin Amyloidosis; Isolated Cardiac Amyloidosis; Amyloid Cardiomyopathy, Transthyretin-related; AMYLOID CARDIOMYOPATHY. Identifiers: Orphanet 85447, Orphanet 85451, MedGen C2751492, MONDO:0971004, OMIM 105210.

Submissions (4):

Mayo Clinic Laboratories, Mayo Clinic
Classification: Likely pathogenic. Last evaluated: 2025-04-09. Review status: criteria provided, single submitter. Criteria: ACMG Guidelines, 2015. Collection method: clinical testing. Allele origin: germline. Observed: 1 variant allele.
Comment: PP1_moderate, PP4, PM2_supporting, PS4_moderate

Labcorp Genetics (formerly Invitae), Labcorp
Classification: Pathogenic for Amyloidosis, hereditary systemic 1. Last evaluated: 2024-04-22. Review status: criteria provided, single submitter. Criteria: Invitae Variant Classification Sherloc (09022015). Collection method: clinical testing. Allele origin: germline.
Comment: This sequence change replaces isoleucine, which is neutral and non-polar, with valine, which is neutral and non-polar, at codon 93 of the TTR protein (p.Ile93Val). This variant is not present in population databases (gnomAD no frequency). This missense change has been observed in individual(s) with hereditary transthyretin-mediated amyloidosis (hATTR amyloidosis) (PMID: 10694917, 24030042, 31139689, 32393063). It has also been observed to segregate with disease in related individuals. This variant is also known as Ile73Val. ClinVar contains an entry for this variant (Variation ID: 803482). Advanced modeling of protein sequence and biophysical properties (such as structural, functional, and spatial information, amino acid conservation, physicochemical variation, residue mobility, and thermodynamic stability) performed at Invitae indicates that this missense variant is expected to disrupt TTR protein function with a positive predictive value of 95%. For these reasons, this variant has been classified as Pathogenic.

Department of Cell and Molecular Biology, Manipal School of Life Sciences, Manipal Academy of Higher Education
Classification: Pathogenic for Hereditary amyloidosis. Last evaluated: 2019-07-31. Review status: criteria provided, single submitter. Criteria: Kumar et al. (Circ Genom Precis Med. 2020). Collection method: research. Allele origin: inherited. Inheritance: Autosomal dominant inheritance. Affected: yes.
Comment: The Ile93Val (Primary sequence) / Ile73Val (Mature protein) variant has been reported from 2 Taiwanese, 1 Bangladeshi and 1 Indian family with autosomal dominant familial transthyretin amyloidosis. Familial cardiac amyloidosis and familial amyloid polyneuropathy have both been reported (Kumar et.al, 2020, Chao et.al, 2019, Liao and Chang , 2013 [PMID:24030042] and Booth et.al, 1998 [PMID: 10694917]).

Mendelics
Classification: Likely pathogenic for Amyloidosis, hereditary systemic 1. Last evaluated: 2019-05-28. Review status: criteria provided, single submitter. Criteria: Mendelics Assertion Criteria 2017. Collection method: clinical testing. Allele origin: unknown.

Literature cited by the submitters: PubMed 10694917 (cited by Mayo Clinic Laboratories, Mayo Clinic and Labcorp Genetics (formerly Invitae), Labcorp); PubMed 24030042 (cited by Mayo Clinic Laboratories, Mayo Clinic and Labcorp Genetics (formerly Invitae), Labcorp); PubMed 31139689 (cited by Mayo Clinic Laboratories, Mayo Clinic and Labcorp Genetics (formerly Invitae), Labcorp); PubMed 32393063 (cited by Mayo Clinic Laboratories, Mayo Clinic and Labcorp Genetics (formerly Invitae), Labcorp); PubMed 33373035 (cited by Mayo Clinic Laboratories, Mayo Clinic); PubMed 35567784 (cited by Mayo Clinic Laboratories, Mayo Clinic); PubMed 35653365 (cited by Mayo Clinic Laboratories, Mayo Clinic); PubMed 36325894 (cited by Mayo Clinic Laboratories, Mayo Clinic).

NM_000371.4(TTR):c.277A>G (p.Ile93Val)

Gene: TTR (transthyretin; plus strand). Cytogenetic location: 18q12.1.
Variant type: single nucleotide variant.
Coding change: c.277A>G on transcript NM_000371.4 (MANE Select); coding-DNA position 277, A replaced by G.
Protein change: p.Ile93Val; replaces isoleucine 93 with valine.
Molecular consequence: missense variant.
Genome position (GRCh38, 1-based): chr18:31,595,196, A>G. VCF-style: chr18-31595196-A-G. GRCh37 (hg19) VCF-style: chr18-29175159-A-G.
Other names: p.Ile93Val; c.277A>G (NM_000371.3); short protein forms I93V.
Identifiers: ClinVar variation 803482 (VCV000803482.10), dbSNP rs1598845164, ClinGen allele CA402157040.